The following is an entry in ClinVar:

ClinVar aggregate classification (germline): Uncertain significance. Review status: criteria provided, multiple submitters, no conflicts (2 of 4 stars). 3 submissions from 3 submitters: Uncertain significance (2). 1 of the submissions does not count toward it. Last evaluated 2025-09-25.

Conditions:
Ehlers-Danlos syndrome, dermatosparaxis type. Also called: EDS VIIC; Ehlers-Danlos syndrome, type VII, autosomal recessive; Dermatosparaxis. Identifiers: Orphanet 1901, MedGen C2700425, MONDO:0009161, OMIM 225410.

Allele frequency attached by ClinVar (database versions not stated): gnomAD 0.00001; gnomAD exomes 0.00001; TOPMed 0.00001.
gnomAD v4.1: 8 of 1,121,424 alleles (0.00071%); highest among the groups gnomAD compares: African/African-American, 0.0067%; no homozygotes.

Submissions (3):

Mayo Clinic Laboratories, Mayo Clinic
Classification: Uncertain significance. Last evaluated: 2025-09-25. Review status: criteria provided, single submitter. Criteria: ACMG Guidelines, 2015. Collection method: clinical testing. Allele origin: germline. Observed: 1 variant allele.
Comment: BP4_moderate, PM2_supporting

Labcorp Genetics (formerly Invitae), Labcorp
Classification: Uncertain significance for Ehlers-Danlos syndrome, dermatosparaxis type. Last evaluated: 2021-09-01. Review status: criteria provided, single submitter. Criteria: Invitae Variant Classification Sherloc (09022015). Collection method: clinical testing. Allele origin: germline.
Comment: This sequence change replaces alanine with threonine at codon 37 of the ADAMTS2 protein (p.Ala37Thr). The alanine residue is weakly conserved and there is a small physicochemical difference between alanine and threonine. The frequency data for this variant in the population databases is considered unreliable, as metrics indicate insufficient coverage at this position in the ExAC database. This variant has not been reported in the literature in individuals affected with ADAMTS2-related conditions. Algorithms developed to predict the effect of missense changes on protein structure and function output the following: SIFT: "Tolerated"; PolyPhen-2: "Not Available"; Align-GVGD: "Class C0". The threonine amino acid residue is found in multiple mammalian species, which suggests that this missense change does not adversely affect protein function. In summary, the available evidence is currently insufficient to determine the role of this variant in disease. Therefore, it has been classified as a Variant of Uncertain Significance.

Natera, Inc.
Classification: Uncertain significance for Ehlers-Danlos syndrome type VIIC. Last evaluated: 2020-03-18. Review status: no assertion criteria provided. Collection method: clinical testing. Allele origin: germline. Not counted in ClinVar's aggregate classification.

NM_014244.5(ADAMTS2):c.109G>A (p.Ala37Thr)

Gene: ADAMTS2 (ADAM metallopeptidase with thrombospondin type 1 motif 2; minus strand). Cytogenetic location: 5q35.3.
Variant type: single nucleotide variant.
Coding change: c.109G>A on transcript NM_014244.5 (MANE Select); coding-DNA position 109, G replaced by A.
Protein change: p.Ala37Thr; replaces alanine 37 with threonine.
Molecular consequence: missense variant.
Genome position (GRCh38, 1-based): chr5:179,345,220, C>T on the plus strand (G>A on the coding strand, the complement: ADAMTS2 is on the minus strand). VCF-style: chr5-179345220-C-T. GRCh37 (hg19) VCF-style: chr5-178772221-C-T.
Other names: p.Ala37Thr; c.109G>A, p.Ala37Thr (NM_021599.4); short protein forms A37T.
Identifiers: ClinVar variation 1027276 (VCV001027276.10), dbSNP rs1001487005, ClinGen allele CA133086851.